The following is an entry in ClinVar:

NM_001035.3(RYR2):c.483C>A (p.Thr161=)

Gene: RYR2 (ryanodine receptor 2; plus strand). Cytogenetic location: 1q43.
Variant type: single nucleotide variant.
Coding change: c.483C>A on transcript NM_001035.3 (MANE Select); coding-DNA position 483, C replaced by A.
Protein change: p.Thr161=; no amino-acid change (threonine 161 retained).
Molecular consequence: synonymous variant.
Genome position (GRCh38, 1-based): chr1:237,377,342, C>A. VCF-style: chr1-237377342-C-A. GRCh37 (hg19) VCF-style: chr1-237540642-C-A.
Identifiers: ClinVar variation 3070668 (VCV003070668.1), dbSNP rs780513819, ClinGen allele CA423808696.

ClinVar aggregate classification (germline): Likely benign (1 of 4 stars; one submission).

Conditions:
Catecholaminergic polymorphic ventricular tachycardia (CVPT). Also called: Catecholamine-induced polymorphic ventricular tachycardia. Identifiers: Orphanet 3286, MedGen C5574922, MONDO:0017990.

Submission:

All of Us Research Program, National Institutes of Health
Classification: Likely benign for Catecholaminergic polymorphic ventricular tachycardia. Last evaluated: 2023-05-04. Review status: criteria provided, single submitter. Criteria: ACMG Guidelines, 2015. Collection method: clinical testing. Allele origin: germline. Inheritance: Autosomal dominant inheritance. Observed: 1 variant allele, 1 heterozygote.
Comment: This study involves interpretation of variants in research participants for the purpose of population health screening. Participant phenotype was not available at the time of variant classification. Additional details can be found in publication PMID: 35346344, PMCID: PMC8962531